The following is an entry in ClinVar:

NM_001367561.1(DOCK7):c.280C>T (p.Arg94Trp)

Gene: DOCK7 (dedicator of cytokinesis 7; minus strand). Cytogenetic location: 1p31.3.
Variant type: single nucleotide variant.
Coding change: c.280C>T on transcript NM_001367561.1 (MANE Select); coding-DNA position 280, C replaced by T.
Protein change: p.Arg94Trp; replaces arginine 94 with tryptophan.
Molecular consequence: missense variant.
Genome position (GRCh38, 1-based): chr1:62,654,024, G>A on the plus strand (C>T on the coding strand, the complement: DOCK7 is on the minus strand). VCF-style: chr1-62654024-G-A. GRCh37 (hg19) VCF-style: chr1-63119695-G-A.
Other names: c.280C>T, p.Arg94Trp (NM_001271999.2, NM_001272000.2, NM_001272001.2 and 3 more transcripts); short protein forms R94W.
Identifiers: ClinVar variation 1001268 (VCV001001268.10), dbSNP rs1657688175, ClinGen allele CA340704192.

ClinVar aggregate classification (germline): Uncertain significance. Review status: criteria provided, multiple submitters, no conflicts (2 of 4 stars). 3 submissions from 3 submitters: Uncertain significance (3). Last evaluated 2023-04-11.

Conditions:
Developmental and epileptic encephalopathy, 23 (DEE23). Also called: Epileptic encephalopathy, early infantile, 23. Identifiers: Orphanet 411986, MedGen C4014492, MONDO:0014371, OMIM 615859.

Allele frequency attached by ClinVar (database versions not stated): gnomAD exomes below 0.00001.
gnomAD v4.1: 2 of 1,613,738 alleles (0.00012%); highest among the groups gnomAD compares: Non-Finnish European, 0.00017%; no homozygotes.

Submissions (3):

Genome-Nilou Lab
Classification: Uncertain significance for Developmental and epileptic encephalopathy, 23. Last evaluated: 2023-04-11. Review status: criteria provided, single submitter. Criteria: ACMG Guidelines, 2015. Collection method: clinical testing. Allele origin: germline. Affected: no.

Mendelics
Classification: Uncertain significance. Last evaluated: 2022-05-04. Review status: criteria provided, single submitter. Criteria: Mendelics Assertion Criteria 2019. Collection method: clinical testing. Allele origin: germline.

Labcorp Genetics (formerly Invitae), Labcorp
Classification: Uncertain significance for Developmental and epileptic encephalopathy, 23. Last evaluated: 2020-03-04. Review status: criteria provided, single submitter. Criteria: Invitae Variant Classification Sherloc (09022015). Collection method: clinical testing. Allele origin: germline.
Comment: This sequence change replaces arginine with tryptophan at codon 94 of the DOCK7 protein (p.Arg94Trp). The arginine residue is moderately conserved and there is a moderate physicochemical difference between arginine and tryptophan. This variant is not present in population databases (ExAC no frequency). This variant has not been reported in the literature in individuals with DOCK7-related conditions. Algorithms developed to predict the effect of missense changes on protein structure and function are either unavailable or do not agree on the potential impact of this missense change (SIFT: "Deleterious"; PolyPhen-2: "Probably Damaging"; Align-GVGD: "Class C0"). In summary, the available evidence is currently insufficient to determine the role of this variant in disease. Therefore, it has been classified as a Variant of Uncertain Significance.